The following is an entry in ClinVar:

ClinVar aggregate classification (germline): Pathogenic (1 of 4 stars; one submission).

Allele frequency attached by ClinVar (database versions not stated): gnomAD exomes below 0.00001.
gnomAD v4.1: 1 of 1,614,086 alleles (0.000062%); highest among the groups gnomAD compares: Non-Finnish European, 0.000085%; no homozygotes.

Submission:

Labcorp Genetics (formerly Invitae), Labcorp
Classification: Pathogenic. Last evaluated: 2021-02-03. Review status: criteria provided, single submitter. Criteria: Invitae Variant Classification Sherloc (09022015). Collection method: clinical testing. Allele origin: germline.
Comment: For these reasons, this variant has been classified as Pathogenic. Algorithms developed to predict the effect of sequence changes on RNA splicing suggest that this variant may create or strengthen a splice site, but this prediction has not been confirmed by published transcriptional studies. This variant has not been reported in the literature in individuals with LAMA3-related conditions. This variant is not present in population databases (ExAC no frequency). This sequence change creates a premature translational stop signal (p.Glu389*) in the LAMA3 gene. It is expected to result in an absent or disrupted protein product. Loss-of-function variants in LAMA3 are known to be pathogenic (PMID: 10366601, 11810295, 12915477, 16473856, 17362460, 23869449, 28087116).

Literature cited by the submitters: PubMed 10366601; PubMed 11810295; PubMed 12915477; PubMed 16473856; PubMed 17362460; PubMed 23869449; PubMed 28087116.

NM_198129.4(LAMA3):c.5992G>T (p.Glu1998Ter)

Gene: LAMA3 (laminin subunit alpha 3; plus strand). Cytogenetic location: 18q11.2.
Variant type: single nucleotide variant.
Coding change: c.5992G>T on transcript NM_198129.4 (MANE Select); coding-DNA position 5992, G replaced by T.
Protein change: p.Glu1998Ter; replaces glutamic acid 1998 with a stop codon.
Molecular consequence: nonsense. On other transcripts: intron variant (2).
Genome position (GRCh38, 1-based): chr18:23,899,443, G>T. VCF-style: chr18-23899443-G-T. GRCh37 (hg19) VCF-style: chr18-21479407-G-T.
Other names: c.1165G>T, p.Glu389Ter (NM_000227.6); c.5836+378G>T (NM_001127717.4); c.1009+378G>T (NM_001127718.4); short protein forms E1998*, E389*.
Identifiers: ClinVar variation 1412135 (VCV001412135.6), dbSNP rs2145107064, ClinGen allele CA402047472.